The following is an entry in ClinVar:

NM_000548.5(TSC2):c.2967-6C>T

Gene: TSC2 (TSC complex subunit 2; plus strand). Cytogenetic location: 16p13.3.
Variant type: single nucleotide variant.
Coding change: c.2967-6C>T on transcript NM_000548.5 (MANE Select); 6 bases into the intron before coding-DNA position 2967, C replaced by T.
Molecular consequence: intron variant.
Genome position (GRCh38, 1-based): chr16:2,079,026, C>T. VCF-style: chr16-2079026-C-T. GRCh37 (hg19) VCF-style: chr16-2129027-C-T.
Other names: c.2967-6C>T (NM_000548.4, NM_001114382.3); c.2838-6C>T (NM_021055.3, NM_001370405.1, NM_001363528.2); c.2838-9C>T (NM_001370404.1, NM_001077183.3); c.2727-6C>T (NM_001318827.2); c.2238-9C>T (NM_001318831.2); c.2691-6C>T (NM_001318829.2); c.2871-9C>T (NM_001318832.2).
Identifiers: ClinVar variation 238005 (VCV000238005.24), dbSNP rs200746335, ClinGen allele CA043521.

ClinVar aggregate classification (germline): Benign/Likely benign. Review status: criteria provided, multiple submitters, no conflicts (2 of 4 stars). 10 submissions from 10 submitters: Benign (3); Likely benign (7). Last evaluated 2026-01-05.

Conditions:
Isolated focal cortical dysplasia type II (FCORD2). Also called: CORTICAL DYSPLASIA OF TAYLOR; Focal cortical dysplasia type II. Identifiers: Orphanet 268994, MedGen C1846385, MONDO:0011818, OMIM 607341, HP:0032051.
Tuberous sclerosis 2 (TSC2). Identifiers: Orphanet 805, MedGen C1860707, MONDO:0013199, OMIM 613254.
Lymphangiomyomatosis (LAM). Also called: Lymphangioleiomyomatosis, somatic; Lymphangioleiomyomatosis. Identifiers: Orphanet 538, MedGen C0751674, MONDO:0011705, OMIM 606690.
TSC2-related disorder. Also called: TSC2-related condition; TSC2-Related Disorders.
Tuberous sclerosis syndrome (TSC). Also called: Tuberous sclerosis; Tuberous Sclerosis Complex. Identifiers: Orphanet 805, MedGen C0041341, MONDO:0001734.

Allele frequency attached by ClinVar (database versions not stated): gnomAD 0.00005 and 0.00004; TOPMed 0.00006; gnomAD exomes 0.00012 and 0.00004; ExAC 0.00013; 1000 Genomes Project 30x 0.00016; 1000 Genomes Project 0.00020.

Submissions (10):

Labcorp Genetics (formerly Invitae), Labcorp
Classification: Benign for Tuberous sclerosis 2. Last evaluated: 2026-01-05. Review status: criteria provided, single submitter. Criteria: Invitae Variant Classification Sherloc (09022015). Collection method: clinical testing. Allele origin: germline.

PreventionGenetics, part of Exact Sciences
Classification: Likely benign for TSC2-related condition. Last evaluated: 2025-11-02. Review status: criteria provided, single submitter. Criteria: ACMG Guidelines, 2015. Collection method: clinical testing. Allele origin: germline.
Comment: This variant is classified as likely benign based on ACMG/AMP sequence variant interpretation guidelines (Richards et al. 2015 PMID: 25741868, with internal and published modifications).

Myriad Genetics, Inc.
Classification: Benign for Tuberous sclerosis 2. Last evaluated: 2024-09-09. Review status: criteria provided, single submitter. Criteria: Myriad Autosomal Dominant, Autosomal Recessive and X-Linked Classification Criteria (2023). Collection method: clinical testing. Allele origin: unknown.
Comment: This variant is considered benign. This variant is intronic and is not expected to impact mRNA splicing. This variant has been observed at a population frequency that is significantly greater than expected given the associated disease prevalence and penetrance.

All of Us Research Program, National Institutes of Health
Classification: Likely benign for Tuberous sclerosis syndrome. Last evaluated: 2024-01-11. Review status: criteria provided, single submitter. Criteria: ACMG Guidelines, 2015. Collection method: clinical testing. Allele origin: germline. Inheritance: Autosomal dominant inheritance. Observed: 7 variant alleles, 7 heterozygotes.
Comment: This study involves interpretation of variants in research participants for the purpose of population health screening. Participant phenotype was not available at the time of variant classification. Additional details can be found in publication PMID: 35346344, PMCID: PMC8962531

Blueprint Genetics
Classification: Likely benign. Last evaluated: 2022-03-21. Review status: criteria provided, single submitter. Criteria: ACMG Guidelines, 2015. Collection method: clinical testing. Allele origin: germline.

Fulgent Genetics
Classification: Likely benign for Lymphangiomyomatosis; Isolated focal cortical dysplasia type II; Tuberous sclerosis 2. Last evaluated: 2021-11-16. Review status: criteria provided, single submitter. Criteria: ACMG Guidelines, 2015. Collection method: clinical testing. Allele origin: unknown.

Genome-Nilou Lab
Classification: Benign for Tuberous sclerosis 2. Last evaluated: 2021-11-07. Review status: criteria provided, single submitter. Criteria: ACMG Guidelines, 2015. Collection method: clinical testing. Allele origin: germline. Affected: no.

GeneDx
Classification: Likely benign. Last evaluated: 2019-05-20. Review status: criteria provided, single submitter. Criteria: GeneDx Variant Classification Process June 2021. Collection method: clinical testing. Allele origin: germline. Affected: yes.

Color Diagnostics, LLC DBA Color Health
Classification: Likely benign for Tuberous sclerosis syndrome. Last evaluated: 2018-03-05. Review status: criteria provided, single submitter. Criteria: ACMG Guidelines, 2015. Collection method: clinical testing. Allele origin: germline.

Illumina Laboratory Services, Illumina
Classification: Likely benign for Tuberous sclerosis syndrome. Last evaluated: 2018-01-12. Review status: criteria provided, single submitter. Criteria: ICSL Variant Classification Criteria 13 December 2019. Collection method: clinical testing. Allele origin: germline.
Comment: This variant was observed in the ICSL laboratory as part of a predisposition screen in an ostensibly healthy population. It had not been previously curated by ICSL or reported in the Human Gene Mutation Database (HGMD: prior to June 1st, 2018), and was therefore a candidate for classification through an automated scoring system. Utilizing variant allele frequency, disease prevalence and penetrance estimates, and inheritance mode, an automated score was calculated to assess if this variant is too frequent to cause the disease. Based on the score and internal cut-off values, a variant classified as likely benign is not then subjected to further curation. The score for this variant resulted in a classification of likely benign for this disease.